The following is an entry in ClinVar:

ClinVar aggregate classification (germline): Uncertain significance (1 of 4 stars; one submission).

Allele frequency attached by ClinVar (database versions not stated): ExAC 0.00001; gnomAD exomes 0.00001.
gnomAD v4.1: 12 of 1,613,338 alleles (0.00074%); highest among the groups gnomAD compares: Admixed American, 0.005%; no homozygotes.

Submission:

GeneDx
Classification: Uncertain significance. Last evaluated: 2022-02-03. Review status: criteria provided, single submitter. Criteria: GeneDx Variant Classification Process June 2021. Collection method: clinical testing. Allele origin: germline. Affected: yes.
Comment: Not observed at significant frequency in large population cohorts (gnomAD); In silico analysis supports that this missense variant does not alter protein structure/function; Has not been previously published as pathogenic or benign to our knowledge

NM_001194998.2(CEP152):c.1204G>A (p.Val402Met)

Gene: CEP152 (centrosomal protein 152; minus strand). Cytogenetic location: 15q21.1.
Variant type: single nucleotide variant.
Coding change: c.1204G>A on transcript NM_001194998.2 (MANE Select); coding-DNA position 1204, G replaced by A.
Protein change: p.Val402Met; replaces valine 402 with methionine.
Molecular consequence: missense variant.
Genome position (GRCh38, 1-based): chr15:48,784,090, C>T on the plus strand (G>A on the coding strand, the complement: CEP152 is on the minus strand). VCF-style: chr15-48784090-C-T. GRCh37 (hg19) VCF-style: chr15-49076287-C-T.
Other names: c.1204G>A, p.Val402Met (NM_014985.4); short protein forms V402M.
Identifiers: ClinVar variation 1700415 (VCV001700415.2), dbSNP rs780764155, ClinGen allele CA7548906.
Genomic context (GRCh38, chr15:48,784,090, plus strand): 5'-TATTAATGATCTCAGTCTTTTCTAACTTGATTGCTTCTTGATTCCTTTCCAGTTGTTTCA[C>T]GTGATCTTTCAGACGAGAGCAAATGTCTTCCTAAATAGAAAAAAAGTTCAGGAAGTCATT-3'
Protein context (NP_001181927.1, residues 392-412): EDICSRLKDH[Val402Met]KQLERNQEAI